The following is an entry in ClinVar:

ClinVar aggregate classification (germline): Uncertain significance (1 of 4 stars; one submission).

Submission:

Labcorp Genetics (formerly Invitae), Labcorp
Classification: Uncertain significance. Last evaluated: 2022-03-28. Review status: criteria provided, single submitter. Criteria: Invitae Variant Classification Sherloc (09022015). Collection method: clinical testing. Allele origin: germline.
Comment: This sequence change falls in intron 20 of the USH1C gene. It does not directly change the encoded amino acid sequence of the USH1C protein. It affects a nucleotide within the consensus splice site. In summary, the available evidence is currently insufficient to determine the role of this variant in disease. Therefore, it has been classified as a Variant of Uncertain Significance. Variants that disrupt the consensus splice site are a relatively common cause of aberrant splicing (PMID: 17576681, 9536098). Algorithms developed to predict the effect of sequence changes on RNA splicing suggest that this variant may disrupt the consensus splice site. This variant has not been reported in the literature in individuals affected with USH1C-related conditions. This variant is not present in population databases (gnomAD no frequency).

Literature cited by the submitters: PubMed 17576681; PubMed 9536098.

NM_153676.4(USH1C):c.2546+4A>C

Gene: USH1C (USH1 protein network component harmonin; minus strand). Cytogenetic location: 11p15.1.
Variant type: single nucleotide variant.
Coding change: c.2546+4A>C on transcript NM_153676.4 (MANE Select); 4 bases into the intron after coding-DNA position 2546, A replaced by C.
Molecular consequence: intron variant.
Genome position (GRCh38, 1-based): chr11:17,496,754, T>G on the plus strand (A>C on the coding strand, the complement: USH1C is on the minus strand). VCF-style: chr11-17496754-T-G. GRCh37 (hg19) VCF-style: chr11-17518301-T-G.
Other names: c.1589+4A>C (NM_001297764.2); c.1646+4A>C (NM_005709.4).
Identifiers: ClinVar variation 1903395 (VCV001903395.5), dbSNP rs1849261742, ClinGen allele CA2580082773.